The following is an entry in ClinVar:

ClinVar aggregate classification (germline): Uncertain significance (1 of 4 stars; one submission).

Allele frequency attached by ClinVar (database versions not stated): TOPMed 0.00003; gnomAD exomes 0.00003 and 0.00006; gnomAD 0.00004 and 0.00003; ExAC 0.00005.
gnomAD v4.1: 22 of 1,614,024 alleles (0.0014%); highest among the groups gnomAD compares: Admixed American, 0.033%; 1 homozygote.

Submission:

GeneDx
Classification: Uncertain significance. Last evaluated: 2026-02-13. Review status: criteria provided, single submitter. Criteria: GeneDx Variant Classification Process June 2021. Collection method: clinical testing. Allele origin: germline.
Comment: In silico analysis suggests this variant may impact gene splicing. In the absence of RNA/functional studies, the actual effect of this sequence change is unknown.; Has not been previously published as pathogenic or benign to our knowledge

NM_005422.4(TECTA):c.5394C>T (p.Asp1798=)

Genes: TBCEL-TECTA (TBCEL-TECTA readthrough; plus strand), TECTA (tectorin alpha; plus strand). Cytogenetic location: 11q23.3.
Variant type: single nucleotide variant.
Coding change: c.5394C>T on transcript NM_005422.4 (MANE Select); coding-DNA position 5394, C replaced by T.
Protein change: p.Asp1798=; no amino-acid change (aspartic acid 1798 retained).
Molecular consequence: synonymous variant.
Genome position (GRCh38, 1-based): chr11:121,166,588, C>T. VCF-style: chr11-121166588-C-T. GRCh37 (hg19) VCF-style: chr11-121037297-C-T.
Other names: c.6336C>T, p.Asp2112= (NM_001378761.1).
Identifiers: ClinVar variation 1699818 (VCV001699818.3), dbSNP rs775090525, ClinGen allele CA6327722.